The following is an entry in ClinVar:

ClinVar aggregate classification (germline): Likely benign (0 of 4 stars; one submission).

Conditions:
TALDO1-related disorder. Also called: TALDO1-related condition.

Allele frequency attached by ClinVar (database versions not stated): gnomAD exomes 0.00001; gnomAD 0.00003; TOPMed 0.00004.
gnomAD v4.1: 13 of 1,613,892 alleles (0.00081%); highest among the groups gnomAD compares: African/African-American, 0.0027%; no homozygotes.

Submission:

PreventionGenetics, part of Exact Sciences
Classification: Likely benign for TALDO1-related condition. Last evaluated: 2021-12-03. Review status: no assertion criteria provided. Collection method: clinical testing. Allele origin: germline.
Comment: This variant is classified as likely benign based on ACMG/AMP sequence variant interpretation guidelines (Richards et al. 2015 PMID: 25741868, with internal and published modifications).

NM_006755.2(TALDO1):c.*7C>A

Gene: TALDO1 (transaldolase 1; plus strand). Cytogenetic location: 11p15.5.
Variant type: single nucleotide variant.
Coding change: c.*7C>A on transcript NM_006755.2 (MANE Select); 7 bases downstream of the stop codon, C replaced by A.
Molecular consequence: 3 prime UTR variant.
Genome position (GRCh38, 1-based): chr11:764,852, C>A. VCF-style: chr11-764852-C-A. GRCh37 (hg19) VCF-style: chr11-764852-C-A.
Identifiers: ClinVar variation 3033055 (VCV003033055.2), dbSNP rs190875781, ClinGen allele CA216965710.